The following is an entry in ClinVar:

ClinVar aggregate classification (germline): Uncertain significance. Review status: criteria provided, multiple submitters, no conflicts (2 of 4 stars). 2 submissions from 2 submitters: Uncertain significance (2). Last evaluated 2025-10-02.

Conditions:
Inborn genetic diseases. Identifiers: MedGen C0950123, MeSH D030342.

Allele frequency attached by ClinVar (database versions not stated): gnomAD exomes 0.00001; TOPMed 0.00001.
gnomAD v4.1: 11 of 1,613,608 alleles (0.00068%); highest among the groups gnomAD compares: Non-Finnish European, 0.00085%; no homozygotes.

Submissions (2):

Ambry Genetics
Classification: Uncertain significance for Inborn genetic diseases. Last evaluated: 2025-10-02. Review status: criteria provided, single submitter. Criteria: Ambry Variant Classification Scheme 2023. Collection method: clinical testing. Allele origin: germline.

Labcorp Genetics (formerly Invitae), Labcorp
Classification: Uncertain significance. Last evaluated: 2025-04-16. Review status: criteria provided, single submitter. Criteria: Invitae Variant Classification Sherloc (09022015). Collection method: clinical testing. Allele origin: germline.
Comment: This sequence change replaces glutamic acid, which is acidic and polar, with lysine, which is basic and polar, at codon 226 of the TBX15 protein (p.Glu226Lys). This variant is present in population databases (no rsID available, gnomAD 0.0009%). This variant has not been reported in the literature in individuals affected with TBX15-related conditions. ClinVar contains an entry for this variant (Variation ID: 2984471). Invitae Evidence Modeling of protein sequence and biophysical properties (such as structural, functional, and spatial information, amino acid conservation, physicochemical variation, residue mobility, and thermodynamic stability) indicates that this missense variant is not expected to disrupt TBX15 protein function with a negative predictive value of 80%. In summary, the available evidence is currently insufficient to determine the role of this variant in disease. Therefore, it has been classified as a Variant of Uncertain Significance.

NM_001330677.2(TBX15):c.994G>A (p.Glu332Lys)

Gene: TBX15 (T-box transcription factor 15; minus strand). Cytogenetic location: 1p12.
Variant type: single nucleotide variant.
Coding change: c.994G>A on transcript NM_001330677.2 (MANE Select); coding-DNA position 994, G replaced by A.
Protein change: p.Glu332Lys; replaces glutamic acid 332 with lysine.
Molecular consequence: missense variant.
Genome position (GRCh38, 1-based): chr1:118,899,058, C>T on the plus strand (G>A on the coding strand, the complement: TBX15 is on the minus strand). VCF-style: chr1-118899058-C-T. GRCh37 (hg19) VCF-style: chr1-119441681-C-T.
Other names: c.676G>A (NM_152380.2); c.676G>A, p.Glu226Lys (NM_152380.3); short protein forms E226K, E332K.
Identifiers: ClinVar variation 2984471 (VCV002984471.4), dbSNP rs1225498534, ClinGen allele CA341433714.